The following is an entry in ClinVar:

ClinVar aggregate classification (germline): Benign (3 of 4 stars; one submission).

Conditions:
Breast-ovarian cancer, familial, susceptibility to, 2 (BROVCA2). Also called: BRCA2 Hereditary Breast and Ovarian Cancer. Identifiers: Orphanet 145, MedGen C2675520, MONDO:0012933, OMIM 612555. Disease mechanism: loss of function.

Allele frequency attached by ClinVar (database versions not stated): TOPMed 0.00230; gnomAD 0.00233 and 0.00302; 1000 Genomes Project 30x 0.00515; 1000 Genomes Project 0.00519.
gnomAD v4.1: 435 of 145,068 alleles (0.3%); highest among the groups gnomAD compares: South Asian, 2.5%; 3 homozygotes.

Submission:

Evidence-based Network for the Interpretation of Germline Mutant Alleles (ENIGMA)
Classification: Benign for Breast-ovarian cancer, familial, susceptibility to, 2. Last evaluated: 2016-09-28. Review status: reviewed by expert panel. Criteria: ENIGMA BRCA1/2 Classification Criteria (2015). Collection method: curation. Allele origin: germline.
Comment: Class 1 not pathogenic based on frequency >1% in an outbred sampleset. Frequency 0.0174 (South Asian), derived from 1000 genomes (2013-05-02).

NM_000059.4(BRCA2):c.7007+1433C>T

Gene: BRCA2 (BRCA2 DNA repair associated; plus strand). Cytogenetic location: 13q13.1.
Variant type: single nucleotide variant.
Coding change: c.7007+1433C>T on transcript NM_000059.4 (MANE Select); 1433 bases into the intron after coding-DNA position 7007, C replaced by T.
Molecular consequence: intron variant.
Genome position (GRCh38, 1-based): chr13:32,348,329, C>T. VCF-style: chr13-32348329-C-T. GRCh37 (hg19) VCF-style: chr13-32922466-C-T.
Identifiers: ClinVar variation 264931 (VCV000264931.1), dbSNP rs186096068, ClinGen allele CA10588110.